The following is an entry in ClinVar:

ClinVar aggregate classification (germline): Likely benign (1 of 4 stars; one submission).

Allele frequency attached by ClinVar (database versions not stated): 1000 Genomes Project 30x 0.00078; 1000 Genomes Project 0.00100; TOPMed 0.00399; gnomAD 0.00430; gnomAD exomes 0.00436; ExAC 0.00474.
gnomAD v4.1: 6,991 of 1,612,294 alleles (0.43%); highest among the groups gnomAD compares: Non-Finnish European, 0.49%; 36 homozygotes.

Submission:

CeGaT Center for Human Genetics Tuebingen
Classification: Likely benign. Last evaluated: 2023-03-01. Review status: criteria provided, single submitter. Criteria: CeGaT Center For Human Genetics Tuebingen Variant Classification Criteria Version 2. Collection method: clinical testing. Allele origin: germline. Affected: yes. Observed: 1 variant allele.
Comment: ZSCAN5C: BP4, BS2

NM_001358413.3(ZSCAN5C):c.1015G>A (p.Ala339Thr)

Gene: ZSCAN5C (zinc finger and SCAN domain containing 5C; plus strand). Cytogenetic location: 19q13.43.
Variant type: single nucleotide variant.
Coding change: c.1015G>A on transcript NM_001358413.3 (MANE Select); coding-DNA position 1015, G replaced by A.
Protein change: p.Ala339Thr; replaces alanine 339 with threonine.
Molecular consequence: missense variant.
Genome position (GRCh38, 1-based): chr19:56,208,724, G>A. VCF-style: chr19-56208724-G-A. GRCh37 (hg19) VCF-style: chr19-56720093-G-A.
Other names: short protein forms A339T.
Identifiers: ClinVar variation 2650558 (VCV002650558.24), dbSNP rs140150496, ClinGen allele CA9688021.